The following is an entry in ClinVar:

Conditions:
Long QT syndrome 5 (LQT5). Identifiers: Orphanet 101016, Orphanet 768, MedGen C1867904, MONDO:0013372, OMIM 613695.

Submission:

Roden Lab, Vanderbilt University Medical Center
No classification provided (evidence only). Condition: Long QT syndrome 5. Review status: no classification provided. Collection method: in vitro. Allele origin: not applicable. Functional consequence: Effect on ion channel function.
ClinVar note: "not provided" was previously submitted as the classification for the variant. However, the classification appeared to be based only on an observation of functional data so it was converted to no classification on 2025-07-30.

NM_000219.6(KCNE1):c.54G>T (p.Gln18His)

Gene: KCNE1 (potassium voltage-gated channel subfamily E regulatory subunit 1; minus strand). Cytogenetic location: 21q22.12.
Variant type: single nucleotide variant.
Coding change: c.54G>T on transcript NM_000219.6 (MANE Select); coding-DNA position 54, G replaced by T.
Protein change: p.Gln18His; replaces glutamine 18 with histidine.
Molecular consequence: missense variant.
Genome position (GRCh38, 1-based): chr21:34,449,581, C>A on the plus strand (G>T on the coding strand, the complement: KCNE1 is on the minus strand). VCF-style: chr21-34449581-C-A. GRCh37 (hg19) VCF-style: chr21-35821879-C-A.
Other names: c.54G>T, p.Gln18His (NM_001127668.4, NM_001127669.4, NM_001127670.4 and 4 more transcripts); short protein forms Q18H.
Identifiers: ClinVar variation 3373920 (VCV003373920.2).